The following is an entry in ClinVar:

NM_001481.3(DRC4):c.965A>G (p.Lys322Arg)

Gene: DRC4 (dynein regulatory complex subunit 4; plus strand). Cytogenetic location: 16q24.3.
Variant type: single nucleotide variant.
Coding change: c.965A>G on transcript NM_001481.3 (MANE Select); coding-DNA position 965, A replaced by G.
Protein change: p.Lys322Arg; replaces lysine 322 with arginine.
Molecular consequence: missense variant.
Genome position (GRCh38, 1-based): chr16:90,037,802, A>G. VCF-style: chr16-90037802-A-G. GRCh37 (hg19) VCF-style: chr16-90104210-A-G.
Other names: c.716A>G, p.Lys239Arg (NM_001286205.2); c.389A>G, p.Lys130Arg (NM_001286208.2); c.890A>G, p.Lys297Arg (NM_001286209.2); short protein forms K239R, K130R, K297R, K322R.
Identifiers: ClinVar variation 2153657 (VCV002153657.4), dbSNP rs987511846, ClinGen allele CA397468590.

ClinVar aggregate classification (germline): Uncertain significance (1 of 4 stars; one submission).

Conditions:
Primary ciliary dyskinesia 33. Also called: CILIARY DYSKINESIA, PRIMARY, 33, WITHOUT SITUS INVERSUS. Identifiers: Orphanet 244, MedGen C4225230, MONDO:0014750, OMIM 616726.

Submission:

Labcorp Genetics (formerly Invitae), Labcorp
Classification: Uncertain significance for Primary ciliary dyskinesia 33. Last evaluated: 2022-02-10. Review status: criteria provided, single submitter. Criteria: Invitae Variant Classification Sherloc (09022015). Collection method: clinical testing. Allele origin: germline.
Comment: In summary, the available evidence is currently insufficient to determine the role of this variant in disease. Therefore, it has been classified as a Variant of Uncertain Significance. Algorithms developed to predict the effect of missense changes on protein structure and function (SIFT, PolyPhen-2, Align-GVGD) all suggest that this variant is likely to be tolerated. This variant has not been reported in the literature in individuals affected with GAS8-related conditions. This variant is not present in population databases (gnomAD no frequency). This sequence change replaces lysine, which is basic and polar, with arginine, which is basic and polar, at codon 322 of the GAS8 protein (p.Lys322Arg).